The following is an entry in ClinVar:

ClinVar aggregate classification (germline): Uncertain significance. Review status: criteria provided, multiple submitters, no conflicts (2 of 4 stars). 2 submissions from 2 submitters: Uncertain significance (2). Last evaluated 2025-04-21.

Conditions:
Familial hemophagocytic lymphohistiocytosis 4 (FHL4). Also called: STX11-Related Familial Hemophagocytic Lymphohistiocytosis (STX11-fHLH). Identifiers: Orphanet 540, MedGen C1863728, MONDO:0011336, OMIM 603552.

Submissions (2):

Labcorp Genetics (formerly Invitae), Labcorp
Classification: Uncertain significance for Familial hemophagocytic lymphohistiocytosis 4. Last evaluated: 2025-04-21. Review status: criteria provided, single submitter. Criteria: Invitae Variant Classification Sherloc (09022015). Collection method: clinical testing. Allele origin: germline.
Comment: This variant, c.816_818del, results in the deletion of 1 amino acid(s) of the STX11 protein (p.Lys272del), but otherwise preserves the integrity of the reading frame. This variant is present in population databases (no rsID available, gnomAD 0.006%). This variant has not been reported in the literature in individuals affected with STX11-related conditions. Experimental studies and prediction algorithms are not available or were not evaluated, and the functional significance of this variant is currently unknown. In summary, the available evidence is currently insufficient to determine the role of this variant in disease. Therefore, it has been classified as a Variant of Uncertain Significance.

Blueprint Genetics
Classification: Uncertain significance. Last evaluated: 2020-03-14. Review status: criteria provided, single submitter. Criteria: ACMG Guidelines, 2015. Collection method: clinical testing. Allele origin: germline.

NM_003764.4(STX11):c.813GAA[1] (p.Lys272del)

Gene: STX11 (syntaxin 11; plus strand). Cytogenetic location: 6q24.2.
Variant type: Microsatellite.
Coding change: c.813GAA[1] on transcript NM_003764.4 (MANE Select); one copy of the 3-base unit GAA starting at c.813; the reference has two copies in a row; one copy, 3 bases deleted.
Protein change: p.Lys272del; deletes lysine 272.
Molecular consequence: inframe deletion.
Genome position (GRCh38, 1-based): chr6:144,187,443-144,187,445, GAA deleted; deleting any 3 consecutive bases within chr6:144,187,439-144,187,445 gives the same sequence; the position shown is the placement nearest the transcript's 3' end. VCF-style (leftmost placement, unchanged base first): chr6-144187438-GAGA-G. GRCh37 (hg19) VCF-style: chr6-144508575-GAGA-G.
Other names: short protein forms K272del.
Identifiers: ClinVar variation 1006199 (VCV001006199.8), dbSNP rs1409098325, ClinGen allele CA570979849.